The following is an entry in ClinVar:

ClinVar aggregate classification (germline): Uncertain significance (1 of 4 stars; one submission).

Conditions:
Cardiovascular phenotype. Identifiers: MedGen CN230736.

gnomAD v4.1: 2 of 1,614,030 alleles (0.00012%); highest among the groups gnomAD compares: African/African-American, 0.0013%; no homozygotes.

Submission:

Ambry Genetics
Classification: Uncertain significance for Cardiovascular phenotype. Last evaluated: 2025-05-03. Review status: criteria provided, single submitter. Criteria: Ambry Variant Classification Scheme 2023. Collection method: clinical testing. Allele origin: germline.
Comment: The p.S2728C variant (also known as c.8183C>G), located in coding exon 10 of the ALMS1 gene, results from a C to G substitution at nucleotide position 8183. The serine at codon 2728 is replaced by cysteine, an amino acid with dissimilar properties. This amino acid position is highly conserved in available vertebrate species. In addition, the in silico prediction for this alteration is inconclusive. Based on the available evidence, the clinical significance of this variant remains unclear.

NM_001378454.1(ALMS1):c.8180C>G (p.Ser2727Cys)

Gene: ALMS1 (ALMS1 centrosome and basal body associated protein; plus strand). Cytogenetic location: 2p13.1.
Variant type: single nucleotide variant.
Coding change: c.8180C>G on transcript NM_001378454.1 (MANE Select); coding-DNA position 8180, C replaced by G.
Protein change: p.Ser2727Cys; replaces serine 2727 with cysteine.
Molecular consequence: missense variant.
Genome position (GRCh38, 1-based): chr2:73,490,139, C>G. VCF-style: chr2-73490139-C-G. GRCh37 (hg19) VCF-style: chr2-73717266-C-G.
Other names: c.8183C>G, p.Ser2728Cys (NM_015120.4); short protein forms S2728C, S2727C.
Identifiers: ClinVar variation 4042553 (VCV004042553.1).